The following is an entry in ClinVar:

NM_001904.4(CTNNB1):c.86C>G (p.Ser29Cys)

Genes: CTNNB1 (catenin beta 1; plus strand), LOC126806658 (BRD4-independent group 4 enhancer GRCh37_chr3:41265899-41267098; plus strand). Cytogenetic location: 3p22.1.
Variant type: single nucleotide variant.
Coding change: c.86C>G on transcript NM_001904.4 (MANE Select); coding-DNA position 86, C replaced by G.
Protein change: p.Ser29Cys; replaces serine 29 with cysteine.
Molecular consequence: missense variant.
Genome position (GRCh38, 1-based): chr3:41,224,598, C>G. VCF-style: chr3-41224598-C-G. GRCh37 (hg19) VCF-style: chr3-41266089-C-G.
Other names: c.86C>G, p.Ser29Cys (NM_001098209.2, NM_001098210.2); c.65C>G, p.Ser22Cys (NM_001330729.2); short protein forms S22C, S29C.
Identifiers: ClinVar variation 2653694 (VCV002653694.24), dbSNP rs2078130210, ClinGen allele CA352228488.
Genomic context (GRCh38, chr3:41,224,598, plus strand): 5'-AGTTGGACATGGCCATGGAACCAGACAGAAAAGCGGCTGTTAGTCACTGGCAGCAACAGT[C>G]TTACCTGGACTCTGGAATCCATTCTGGTGCCACTACCACAGCTCCTTCTCTGAGTGGTAA-3'
Protein context (NP_001895.1, residues 19-39): KAAVSHWQQQ[Ser29Cys]YLDSGIHSGA

ClinVar aggregate classification (germline): Uncertain significance (1 of 4 stars; one submission).

Submission:

CeGaT Center for Human Genetics Tuebingen
Classification: Uncertain significance. Last evaluated: 2023-06-01. Review status: criteria provided, single submitter. Criteria: CeGaT Center For Human Genetics Tuebingen Variant Classification Criteria Version 2. Collection method: clinical testing. Allele origin: germline. Affected: yes. Observed: 1 variant allele.
Comment: CTNNB1: PM2, PP2